The following is an entry in ClinVar:

NM_000494.4(COL17A1):c.3821G>A (p.Gly1274Glu)

Gene: COL17A1 (collagen type XVII alpha 1 chain; minus strand). Cytogenetic location: 10q25.1.
Variant type: single nucleotide variant.
Coding change: c.3821G>A on transcript NM_000494.4 (MANE Select); coding-DNA position 3821, G replaced by A.
Protein change: p.Gly1274Glu; replaces glycine 1274 with glutamic acid.
Molecular consequence: missense variant.
Genome position (GRCh38, 1-based): chr10:104,034,280, C>T on the plus strand (G>A on the coding strand, the complement: COL17A1 is on the minus strand). VCF-style: chr10-104034280-C-T. GRCh37 (hg19) VCF-style: chr10-105794038-C-T.
Other names: short protein forms G1274E.
Identifiers: ClinVar variation 1181450 (VCV001181450.2), dbSNP rs749093771, ClinGen allele CA5677795.

ClinVar aggregate classification (germline): Likely pathogenic (1 of 4 stars; one submission).

Allele frequency attached by ClinVar (database versions not stated): gnomAD exomes 0.00001 and 0.00003; ExAC 0.00002; gnomAD 0.00003.
gnomAD v4.1: 48 of 1,591,968 alleles (0.003%); highest among the groups gnomAD compares: Non-Finnish European, 0.004%; no homozygotes.

Submission:

GeneDx
Classification: Likely pathogenic. Last evaluated: 2020-02-03. Review status: criteria provided, single submitter. Criteria: GeneDx Variant Classification Process June 2021. Collection method: clinical testing. Allele origin: germline. Affected: yes.
Comment: Has not been previously published as pathogenic or benign to our knowledge; Substitutions of the Glycine position within the canonical Gly-X-Y repeat in the collagenous domain of the protein destabilize the COLXVII triple helix yielding fragile and unstable anchoring fibrils that are unable to adequately anchor the basement membrane of the epidermis to the dermis resulting in skin fragility (Pfendner and Lucky, 2018); Not observed at a significant frequency in large population cohorts (Lek et al., 2016); In silico analysis supports that this missense variant has a deleterious effect on protein structure/function